The following is an entry in ClinVar:

NM_000135.4(FANCA):c.4261-13T>A

Genes: FANCA (FA complementation group A; minus strand), ZNF276 (zinc finger protein 276; plus strand). Cytogenetic location: 16q24.3.
Variant type: single nucleotide variant.
Coding change: c.4261-13T>A on transcript NM_000135.4 (MANE Select); 13 bases into the intron before coding-DNA position 4261, T replaced by A.
Molecular consequence: intron variant. On other transcripts: 3 prime UTR variant (2), non-coding transcript variant (4).
Genome position (GRCh38, 1-based): chr16:89,738,721, A>T on the plus strand (T>A on the coding strand, the complement: FANCA is on the minus strand). VCF-style: chr16-89738721-A-T. GRCh37 (hg19) VCF-style: chr16-89805129-A-T.
Other names: c.*475A>T (NM_001113525.2, NM_152287.4); c.4265-13T>A (NM_001286167.3).
Identifiers: ClinVar variation 1692227 (VCV001692227.2), dbSNP rs2151710077, ClinGen allele CA2573152882.

ClinVar aggregate classification (germline): Uncertain significance (1 of 4 stars; one submission).

Conditions:
Fanconi anemia (FA). Also called: Fanconi's anemia. Identifiers: Orphanet 84, MedGen C0015625, MeSH D005199, MONDO:0019391.

gnomAD v4.1: 1 of 1,613,698 alleles (0.000062%); highest among the groups gnomAD compares: Non-Finnish European, 0.000085%; no homozygotes.

Submission:

Sema4
Classification: Uncertain significance for Fanconi anemia. Last evaluated: 2021-09-19. Review status: criteria provided, single submitter. Criteria: Sema4 Curation Guidelines. Collection method: curation. Allele origin: germline.
Comment: The FANCA c.4261-13T>A variant has not been reported in the literature to our knowledge. It was not observed in the large and broad cohorts of the Genome Aggregation Database and has not been reported in ClinVar. In silico tools suggest the variant does not disrupt normal splicing, though these predictions have not been confirmed by functional studies. The evidence is insufficient to meet ACMG/AMP criteria for classifying the variant as benign or pathogenic. Thus, the clinical significance of this variant is currently uncertain.